The following is an entry in ClinVar:

NM_005334.3(HCFC1):c.1534G>T (p.Ala512Ser)

Gene: HCFC1 (host cell factor C1; minus strand). Cytogenetic location: Xq28.
Variant type: single nucleotide variant.
Coding change: c.1534G>T on transcript NM_005334.3 (MANE Select); coding-DNA position 1534, G replaced by T.
Protein change: p.Ala512Ser; replaces alanine 512 with serine.
Molecular consequence: missense variant.
Genome position (GRCh38, 1-based): chrX:153,959,402, C>A on the plus strand (G>T on the coding strand, the complement: HCFC1 is on the minus strand). VCF-style: chrX-153959402-C-A. GRCh37 (hg19) VCF-style: chrX-153224853-C-A.
Other names: c.1534G>T, p.Ala512Ser (NM_001410705.1); short protein forms A512S.
Identifiers: ClinVar variation 2502497 (VCV002502497.1), dbSNP rs782426174, ClinGen allele CA415139412.
Genomic context (GRCh38, chrX:153,959,402, plus strand): 5'-CACTCTGTGTTGGCACAACCATCCGCACTCCGGCGGGAAGGGAGGTCACGGTGACAGGGG[C>A]TTTCCCAGCCTGGCTGGCAGGTCGCATGGTGACCAATGGAGTTCCTGTTGTAGCCTGAGG-3'
Protein context (NP_005325.2, residues 502-522): TMRPASQAGK[Ala512Ser]PVTVTSLPAG

ClinVar aggregate classification (germline): Uncertain significance (1 of 4 stars; one submission).

Submission:

GeneDx
Classification: Uncertain significance. Last evaluated: 2022-11-21. Review status: criteria provided, single submitter. Criteria: GeneDx Variant Classification Process June 2021. Collection method: clinical testing. Allele origin: germline. Affected: yes.
Comment: Not observed at significant frequency in large population cohorts (gnomAD); In silico analysis supports that this missense variant does not alter protein structure/function; Has not been previously published as pathogenic or benign to our knowledge